The following is an entry in ClinVar:

ClinVar aggregate classification (germline): Uncertain significance (1 of 4 stars; one submission).

Submission:

GeneDx
Classification: Uncertain significance. Last evaluated: 2022-05-25. Review status: criteria provided, single submitter. Criteria: GeneDx Variant Classification Process June 2021. Collection method: clinical testing. Allele origin: germline. Affected: yes.
Comment: Not observed at significant frequency in large population cohorts (gnomAD); In silico analysis supports that this missense variant does not alter protein structure/function; Has not been previously published as pathogenic or benign to our knowledge

NM_001184.4(ATR):c.241C>G (p.Leu81Val)

Gene: ATR (ATR checkpoint kinase; minus strand). Cytogenetic location: 3q23.
Variant type: single nucleotide variant.
Coding change: c.241C>G on transcript NM_001184.4 (MANE Select); coding-DNA position 241, C replaced by G.
Protein change: p.Leu81Val; replaces leucine 81 with valine.
Molecular consequence: missense variant.
Genome position (GRCh38, 1-based): chr3:142,566,172, G>C on the plus strand (C>G on the coding strand, the complement: ATR is on the minus strand). VCF-style: chr3-142566172-G-C. GRCh37 (hg19) VCF-style: chr3-142285014-G-C.
Other names: c.241C>G, p.Leu81Val (NM_001354579.2); short protein forms L81V.
Identifiers: ClinVar variation 1800813 (VCV001800813.1), dbSNP rs147353060, ClinGen allele CA354828440.